The following is an entry in ClinVar:

NM_000834.5(GRIN2B):c.2926_2928del (p.Lys976del)

Gene: GRIN2B (glutamate ionotropic receptor NMDA type subunit 2B; minus strand). Cytogenetic location: 12p13.1.
Variant type: Deletion.
Coding change: c.2926_2928del on transcript NM_000834.5 (MANE Select); coding-DNA positions 2926 to 2928, 3 bases deleted (AAG; older notation c.2926_2928delAAG).
Protein change: p.Lys976del; deletes lysine 976.
Molecular consequence: inframe deletion.
Genome position (GRCh38, 1-based): chr12:13,564,310-13,564,312, CTT deleted on the plus strand (AAG on the coding strand, the reverse complement: GRIN2B is on the minus strand); deleting any 3 consecutive bases within chr12:13,564,310-13,564,313 gives the same sequence; the c. name uses the placement nearest the transcript's 3' end. VCF-style (leftmost placement, unchanged base first): chr12-13564309-CCTT-C. GRCh37 (hg19) VCF-style: chr12-13717243-CCTT-C.
Other names: short protein forms K976del.
Identifiers: ClinVar variation 234587 (VCV000234587.3), dbSNP rs876661102, ClinGen allele CA10577440.

ClinVar aggregate classification (germline): Conflicting classifications of pathogenicity. Review status: criteria provided, conflicting classifications (1 of 4 stars). 2 submissions from 2 submitters: Likely pathogenic (1); Uncertain significance (1). Last evaluated 2017-04-04.

Conditions:
Intellectual developmental disorder, autosomal dominant 6, with or without seizures. Also called: Intellectual disability, autosomal dominant 6; GRIN2B-related developmental delay, intellectual disability and autism spectrum disorder. Identifiers: Orphanet 589547, MedGen C3151411, MONDO:0013509, OMIM 613970.

Submissions (2):

Institute of Human Genetics, University of Leipzig Medical Center
Classification: Uncertain significance for Intellectual developmental disorder, autosomal dominant 6, with or without seizures. Last evaluated: 2017-04-04. Review status: criteria provided, single submitter. Criteria: ACMG Guidelines, 2015. Collection method: clinical testing. Allele origin: de novo. Affected: yes.
Comment: This variant was identified as de novo (maternity and paternity confirmed).

GeneDx
Classification: Likely pathogenic. Last evaluated: 2015-10-21. Review status: criteria provided, single submitter. Criteria: GeneDx Variant Classification (06012015). Collection method: clinical testing. Allele origin: germline. Affected: yes.
Comment: The de novo c.2926_2928delAAG variant has not been published as a pathogenic variant, nor has it been reported as a benign variant to our knowledge, and in-frame deletions and duplications have not been reported in the GRIN2B gene in association with epilepsy (Stenson et al., 2014). The c.2926_2928delAAG variant was not observed in approximately 6,500 individuals of European and African American ancestry in the NHLBI Exome Sequencing Project, indicating it is not a common benign variant in these populations. The c.2926_2928delAAG variant results in an in-frame deletion of a single Lysine residue, denoted p.Lys976del. This deletion occurs at a position that is conserved across species. Based on the available information, the c.2926_2928delAAG variant is likely pathogenic.

Literature cited by the submitters: PubMed 28377535 (cited by Institute of Human Genetics, University of Leipzig Medical Center).